The following is an entry in ClinVar:

ClinVar aggregate classification (germline): Likely benign. Review status: criteria provided, multiple submitters, no conflicts (2 of 4 stars). 3 submissions from 3 submitters: Likely benign (3). Last evaluated 2026-03-01.

Allele frequency attached by ClinVar (database versions not stated): 1000 Genomes Project 30x 0.00031; ESP Exome Variant Server 0.00031; TOPMed 0.00039; 1000 Genomes Project 0.00040; gnomAD 0.00042 and 0.00043; ExAC 0.00052; gnomAD exomes 0.00059.
gnomAD v4.1: 699 of 1,610,170 alleles (0.043%); highest among the groups gnomAD compares: Non-Finnish European, 0.039%; 1 homozygote.

Submissions (3):

CeGaT Center for Human Genetics Tuebingen
Classification: Likely benign. Last evaluated: 2026-03-01. Review status: criteria provided, single submitter. Criteria: CeGaT Center For Human Genetics Tuebingen Variant Classification Criteria Version 2. Collection method: clinical testing. Allele origin: germline. Affected: yes. Observed: 2 variant alleles.
Comment: JPH3: BP4, BP7

Blueprint Genetics
Classification: Likely benign. Last evaluated: 2024-11-18. Review status: criteria provided, single submitter. Criteria: ACMG Guidelines, 2015. Collection method: clinical testing. Allele origin: germline.

Labcorp Genetics (formerly Invitae), Labcorp
Classification: Likely benign. Last evaluated: 2018-04-12. Review status: criteria provided, single submitter. Criteria: Invitae Variant Classification Sherloc (09022015). Collection method: clinical testing. Allele origin: germline.

NM_020655.4(JPH3):c.1098C>T (p.Ala366=)

Gene: JPH3 (junctophilin 3; plus strand). Cytogenetic location: 16q24.2.
Variant type: single nucleotide variant.
Coding change: c.1098C>T on transcript NM_020655.4 (MANE Select); coding-DNA position 1098, C replaced by T.
Protein change: p.Ala366=; no amino-acid change (alanine 366 retained).
Molecular consequence: synonymous variant. On other transcripts: non-coding transcript variant (1).
Genome position (GRCh38, 1-based): chr16:87,644,973, C>T. VCF-style: chr16-87644973-C-T. GRCh37 (hg19) VCF-style: chr16-87678579-C-T.
Identifiers: ClinVar variation 723517 (VCV000723517.28), dbSNP rs202066813, ClinGen allele CA8220964.